The following is an entry in ClinVar:

ClinVar aggregate classification (germline): Uncertain significance (1 of 4 stars; one submission).

Allele frequency attached by ClinVar (database versions not stated): ExAC 0.00002; gnomAD exomes 0.00004 and 0.00028; TOPMed 0.00004; gnomAD 0.00005.
gnomAD v4.1: 407 of 1,612,748 alleles (0.025%); highest among the groups gnomAD compares: Non-Finnish European, 0.033%; no homozygotes.

Submission:

Labcorp Genetics (formerly Invitae), Labcorp
Classification: Uncertain significance. Last evaluated: 2025-09-11. Review status: criteria provided, single submitter. Criteria: Invitae Variant Classification Sherloc (09022015). Collection method: clinical testing. Allele origin: germline.
Comment: This sequence change replaces glycine, which is neutral and non-polar, with serine, which is neutral and polar, at codon 764 of the DSCAML1 protein (p.Gly764Ser). This variant is present in population databases (rs761045516, gnomAD 0.01%). This variant has not been reported in the literature in individuals affected with DSCAML1-related conditions. ClinVar contains an entry for this variant (Variation ID: 1418366). An algorithm developed to predict the effect of missense changes on protein structure and function (PolyPhen-2) suggests that this variant is likely to be disruptive. In summary, the available evidence is currently insufficient to determine the role of this variant in disease. Therefore, it has been classified as a Variant of Uncertain Significance.

NM_020693.4(DSCAML1):c.2110G>A (p.Gly704Ser)

Gene: DSCAML1 (DS cell adhesion molecule like 1; minus strand). Cytogenetic location: 11q23.3.
Variant type: single nucleotide variant.
Coding change: c.2110G>A on transcript NM_020693.4 (MANE Select); coding-DNA position 2110, G replaced by A.
Protein change: p.Gly704Ser; replaces glycine 704 with serine.
Molecular consequence: missense variant.
Genome position (GRCh38, 1-based): chr11:117,504,996, C>T on the plus strand (G>A on the coding strand, the complement: DSCAML1 is on the minus strand). VCF-style: chr11-117504996-C-T. GRCh37 (hg19) VCF-style: chr11-117375711-C-T.
Other names: c.2110G>A, p.Gly704Ser (NM_001367904.1); short protein forms G704S.
Identifiers: ClinVar variation 1418366 (VCV001418366.6), dbSNP rs761045516, ClinGen allele CA6297100.